The following is an entry in ClinVar:

ClinVar aggregate classification (germline): Conflicting classifications of pathogenicity. Review status: criteria provided, conflicting classifications (1 of 4 stars). 2 submissions from 2 submitters: Uncertain significance (1); Likely benign (1). Last evaluated 2026-01-12.

Conditions:
Inborn genetic diseases. Identifiers: MedGen C0950123, MeSH D030342.
Congenital myopathy with internal nuclei and atypical cores. Also called: Myopathy, centronuclear, 4. Identifiers: Orphanet 319160, MedGen C4707232, MONDO:0013890, OMIM 614807.

Allele frequency attached by ClinVar (database versions not stated): gnomAD exomes 0.00003 and 0.00005; ExAC 0.00004; gnomAD 0.00004 and 0.00005; TOPMed 0.00004; 1000 Genomes Project 30x 0.00016; 1000 Genomes Project 0.00020.
gnomAD v4.1: 56 of 1,612,740 alleles (0.0035%); highest among the groups gnomAD compares: East Asian, 0.02%; no homozygotes.

Submissions (2):

Labcorp Genetics (formerly Invitae), Labcorp
Classification: Uncertain significance for Congenital myopathy with internal nuclei and atypical cores. Last evaluated: 2026-01-12. Review status: criteria provided, single submitter. Criteria: Invitae Variant Classification Sherloc (09022015). Collection method: clinical testing. Allele origin: germline.
Comment: This sequence change replaces arginine, which is basic and polar, with glutamine, which is neutral and polar, at codon 123 of the CCDC78 protein (p.Arg123Gln). This variant is present in population databases (rs201924732, gnomAD 0.05%), and has an allele count higher than expected for a pathogenic variant. This variant has not been reported in the literature in individuals affected with CCDC78-related conditions. ClinVar contains an entry for this variant (Variation ID: 473258). Invitae Evidence Modeling of protein sequence and biophysical properties (such as structural, functional, and spatial information, amino acid conservation, physicochemical variation, residue mobility, and thermodynamic stability) indicates that this missense variant is not expected to disrupt CCDC78 protein function with a negative predictive value of 80%. In summary, the available evidence is currently insufficient to determine the role of this variant in disease. Therefore, it has been classified as a Variant of Uncertain Significance.

Ambry Genetics
Classification: Likely benign for Inborn genetic diseases. Last evaluated: 2024-01-24. Review status: criteria provided, single submitter. Criteria: Ambry Variant Classification Scheme 2023. Collection method: clinical testing. Allele origin: germline.

NM_001378030.1(CCDC78):c.368G>A (p.Arg123Gln)

Gene: CCDC78 (coiled-coil domain containing 78; minus strand). Cytogenetic location: 16p13.3.
Variant type: single nucleotide variant.
Coding change: c.368G>A on transcript NM_001378030.1 (MANE Select); coding-DNA position 368, G replaced by A.
Protein change: p.Arg123Gln; replaces arginine 123 with glutamine.
Molecular consequence: missense variant. On other transcripts: non-coding transcript variant (5), intron variant (1).
Genome position (GRCh38, 1-based): chr16:725,480, C>T on the plus strand (G>A on the coding strand, the complement: CCDC78 is on the minus strand). VCF-style: chr16-725480-C-T. GRCh37 (hg19) VCF-style: chr16-775480-C-T.
Other names: c.368G>A, p.Arg123Gln (NM_001031737.3, NM_001378031.1); c.-18-187G>A (NM_001378033.1); short protein forms R123Q.
Identifiers: ClinVar variation 473258 (VCV000473258.13), dbSNP rs201924732, ClinGen allele CA7789636.